The following is an entry in ClinVar:

NM_025074.7(FRAS1):c.5263C>G (p.Leu1755Val)

Gene: FRAS1 (Fraser extracellular matrix complex subunit 1; plus strand). Cytogenetic location: 4q21.21.
Variant type: single nucleotide variant.
Coding change: c.5263C>G on transcript NM_025074.7 (MANE Select); coding-DNA position 5263, C replaced by G.
Protein change: p.Leu1755Val; replaces leucine 1755 with valine.
Molecular consequence: missense variant.
Genome position (GRCh38, 1-based): chr4:78,438,615, C>G. VCF-style: chr4-78438615-C-G. GRCh37 (hg19) VCF-style: chr4-79359769-C-G.
Other names: c.5263C>G (NM_025074.6); c.5263C>G, p.Leu1755Val (NM_001166133.2); short protein forms L1755V.
Identifiers: ClinVar variation 2415363 (VCV002415363.4), dbSNP rs373496578, ClinGen allele CA2977470.

ClinVar aggregate classification (germline): Uncertain significance. Review status: criteria provided, multiple submitters, no conflicts (2 of 4 stars). 2 submissions from 2 submitters: Uncertain significance (2). Last evaluated 2025-08-26.

Conditions:
Inborn genetic diseases. Identifiers: MedGen C0950123, MeSH D030342.

Allele frequency attached by ClinVar (database versions not stated): gnomAD exomes 0.00001; ExAC 0.00002; gnomAD 0.00007; ESP Exome Variant Server 0.00008; TOPMed 0.00009.
gnomAD v4.1: 20 of 1,613,694 alleles (0.0012%); highest among the groups gnomAD compares: African/African-American, 0.019%; no homozygotes.

Submissions (2):

Ambry Genetics
Classification: Uncertain significance for Inborn genetic diseases. Last evaluated: 2025-08-26. Review status: criteria provided, single submitter. Criteria: Ambry Variant Classification Scheme 2023. Collection method: clinical testing. Allele origin: germline.

Labcorp Genetics (formerly Invitae), Labcorp
Classification: Uncertain significance. Last evaluated: 2021-12-23. Review status: criteria provided, single submitter. Criteria: Invitae Variant Classification Sherloc (09022015). Collection method: clinical testing. Allele origin: germline.
Comment: This sequence change replaces leucine, which is neutral and non-polar, with valine, which is neutral and non-polar, at codon 1755 of the FRAS1 protein (p.Leu1755Val). This variant is present in population databases (rs373496578, gnomAD 0.02%). This variant has not been reported in the literature in individuals affected with FRAS1-related conditions. Algorithms developed to predict the effect of missense changes on protein structure and function output the following: SIFT: "Tolerated"; PolyPhen-2: "Benign"; Align-GVGD: "Class C0". The valine amino acid residue is found in multiple mammalian species, which suggests that this missense change does not adversely affect protein function. In summary, the available evidence is currently insufficient to determine the role of this variant in disease. Therefore, it has been classified as a Variant of Uncertain Significance.